The following is an entry in ClinVar:

ClinVar aggregate classification (germline): Benign/Likely benign. Review status: criteria provided, multiple submitters, no conflicts (2 of 4 stars). 3 submissions from 3 submitters: Benign (1); Likely benign (2). Last evaluated 2025-08-13.

Conditions:
Nephrotic syndrome, type 3 (NPHS3). Also called: NEPHROTIC SYNDROME, EARLY-ONSET, TYPE 3. Identifiers: Orphanet 656, MedGen C1853124, MONDO:0012546, OMIM 610725.

Allele frequency attached by ClinVar (database versions not stated): TOPMed 0.00002; 1000 Genomes Project 30x 0.00156; 1000 Genomes Project 0.00160.
gnomAD v4.1: 261 of 1,613,874 alleles (0.016%); highest among the groups gnomAD compares: South Asian, 0.26%; 2 homozygotes.

Submissions (3):

Labcorp Genetics (formerly Invitae), Labcorp
Classification: Benign. Last evaluated: 2025-08-13. Review status: criteria provided, single submitter. Criteria: Invitae Variant Classification Sherloc (09022015). Collection method: clinical testing. Allele origin: germline.

Fulgent Genetics
Classification: Likely benign for Nephrotic syndrome, type 3. Last evaluated: 2021-07-22. Review status: criteria provided, single submitter. Criteria: ACMG Guidelines, 2015. Collection method: clinical testing. Allele origin: unknown.

Illumina Laboratory Services, Illumina
Classification: Likely benign for Nephrotic syndrome, type 3. Last evaluated: 2018-01-13. Review status: criteria provided, single submitter. Criteria: ICSL Variant Classification Criteria 13 December 2019. Collection method: clinical testing. Allele origin: germline.
Comment: This variant was observed in the ICSL laboratory as part of a predisposition screen in an ostensibly healthy population. It had not been previously curated by ICSL or reported in the Human Gene Mutation Database (HGMD: prior to June 1st, 2018), and was therefore a candidate for classification through an automated scoring system. Utilizing variant allele frequency, disease prevalence and penetrance estimates, and inheritance mode, an automated score was calculated to assess if this variant is too frequent to cause the disease. Based on the score and internal cut-off values, a variant classified as likely benign is not then subjected to further curation. The score for this variant resulted in a classification of likely benign for this disease.

NM_016341.4(PLCE1):c.5168-6G>C

Gene: PLCE1 (phospholipase C epsilon 1; plus strand). Cytogenetic location: 10q23.33.
Variant type: single nucleotide variant.
Coding change: c.5168-6G>C on transcript NM_016341.4 (MANE Select); 6 bases into the intron before coding-DNA position 5168, G replaced by C.
Molecular consequence: intron variant.
Genome position (GRCh38, 1-based): chr10:94,298,373, G>C. VCF-style: chr10-94298373-G-C. GRCh37 (hg19) VCF-style: chr10-96058130-G-C.
Other names: c.5120-6G>C (NM_001288989.2); c.4244-6G>C (NM_001165979.2).
Identifiers: ClinVar variation 879397 (VCV000879397.7), dbSNP rs148239915, ClinGen allele CA5613306.
Genomic context (GRCh38, chr10:94,298,373, plus strand): 5'-GTTTATCTTTCTAAAATATTTAAAGTTTTCTACACTAATCTGCGGCTAATTTCTTGGGGG[G>C]TTTAGGTTCCTGTGAAGGCATTCGACAGACCTGGGAGGAATCTTCTTCCCCTCTCAACCC-3'